The following is an entry in ClinVar:

NM_014629.4(ARHGEF10):c.706A>G (p.Asn236Asp)

Gene: ARHGEF10 (Rho guanine nucleotide exchange factor 10; plus strand). Cytogenetic location: 8p23.3.
Variant type: single nucleotide variant.
Coding change: c.706A>G on transcript NM_014629.4 (MANE Select); coding-DNA position 706, A replaced by G.
Protein change: p.Asn236Asp; replaces asparagine 236 with aspartic acid.
Molecular consequence: missense variant.
Genome position (GRCh38, 1-based): chr8:1,876,597, A>G. VCF-style: chr8-1876597-A-G. GRCh37 (hg19) VCF-style: chr8-1824763-A-G.
Other names: c.709A>G, p.Asn237Asp (NM_001308152.2, NM_001308153.3); short protein forms N236D, N237D, N261D.
Identifiers: ClinVar variation 2414222 (VCV002414222.8), dbSNP rs767672890, ClinGen allele CA170592083.
Genomic context (GRCh38, chr8:1,876,597, plus strand): 5'-AGTTTTAATTTCATTTTGGAATTTATGCACTCAGATGAAATGATTTATGATGATGTTGAG[A>G]ATGGGGATGAAGGTGGAAACAGCTCCTTGGAATACGGATGGAGTTCGAGTGAATTTGAAA-3'
Protein context (NP_055444.2, residues 226-246): PDEMIYDDVE[Asn236Asp]GDEGGNSSLE

ClinVar aggregate classification (germline): Uncertain significance. Review status: criteria provided, multiple submitters, no conflicts (2 of 4 stars). 2 submissions from 2 submitters: Uncertain significance (2). Last evaluated 2023-12-27.

Allele frequency attached by ClinVar (database versions not stated): gnomAD 0.00001; gnomAD exomes 0.00002; TOPMed 0.00002.
gnomAD v4.1: 25 of 1,614,168 alleles (0.0015%); highest among the groups gnomAD compares: Non-Finnish European, 0.0021%; no homozygotes.

Submissions (2):

Ambry Genetics
Classification: Uncertain significance. Last evaluated: 2023-12-27. Review status: criteria provided, single submitter. Criteria: Ambry Variant Classification Scheme 2023. Collection method: clinical testing. Allele origin: germline.

Labcorp Genetics (formerly Invitae), Labcorp
Classification: Uncertain significance. Last evaluated: 2022-03-27. Review status: criteria provided, single submitter. Criteria: Invitae Variant Classification Sherloc (09022015). Collection method: clinical testing. Allele origin: germline.
Comment: In summary, the available evidence is currently insufficient to determine the role of this variant in disease. Therefore, it has been classified as a Variant of Uncertain Significance. Algorithms developed to predict the effect of missense changes on protein structure and function output the following: SIFT: "Tolerated"; PolyPhen-2: "Benign"; Align-GVGD: "Class C0". The aspartic acid amino acid residue is found in multiple mammalian species, which suggests that this missense change does not adversely affect protein function. This variant has not been reported in the literature in individuals affected with ARHGEF10-related conditions. This variant is present in population databases (rs767672890, gnomAD 0.007%). This sequence change replaces asparagine, which is neutral and polar, with aspartic acid, which is acidic and polar, at codon 236 of the ARHGEF10 protein (p.Asn236Asp).